The following is an entry in ClinVar:

NM_032119.4(ADGRV1):c.12207C>T (p.Thr4069=)

Gene: ADGRV1 (adhesion G protein-coupled receptor V1; plus strand). Cytogenetic location: 5q14.3.
Variant type: single nucleotide variant.
Coding change: c.12207C>T on transcript NM_032119.4 (MANE Select); coding-DNA position 12207, C replaced by T.
Protein change: p.Thr4069=; no amino-acid change (threonine 4069 retained).
Molecular consequence: synonymous variant. On other transcripts: non-coding transcript variant (1).
Genome position (GRCh38, 1-based): chr5:90,763,391, C>T. VCF-style: chr5-90763391-C-T. GRCh37 (hg19) VCF-style: chr5-90059208-C-T.
Identifiers: ClinVar variation 163602 (VCV000163602.22), dbSNP rs202066007, ClinGen allele CA176225.
Genomic context (GRCh38, chr5:90,763,391, plus strand): 5'-CGATGACCCTGATTCATATGTGACATTGACGGTTGTCCGGTCCCCAGGAGGAAAAGGAAC[C>T]GTCCGACTTGAGTGGACCATAGATGAGAAGGCTAAACATAACCTTAGTCCTTTGAATGGG-3'
Protein context (NP_115495.3, residues 4059-4079): TVVRSPGGKG[Thr4069=]VRLEWTIDEK

ClinVar aggregate classification (germline): Conflicting classifications of pathogenicity. Review status: criteria provided, conflicting classifications (1 of 4 stars). 7 submissions from 7 submitters: Uncertain significance (1); Likely benign (6). Last evaluated 2026-01-17.

Conditions:
ADGRV1-related disorder. Also called: ADGRV1-related condition; ADGRV1-related disorders.

Allele frequency attached by ClinVar (database versions not stated): ExAC 0.00006; gnomAD exomes 0.00006; ESP Exome Variant Server 0.00008; TOPMed 0.00013; gnomAD 0.00030 and 0.00032; 1000 Genomes Project 0.00040; 1000 Genomes Project 30x 0.00047.
gnomAD v4.1: 99 of 1,613,342 alleles (0.0061%); highest among the groups gnomAD compares: Admixed American, 0.09%; 1 homozygote.

Submissions (7):

Labcorp Genetics (formerly Invitae), Labcorp
Classification: Likely benign. Last evaluated: 2026-01-17. Review status: criteria provided, single submitter. Criteria: Invitae Variant Classification Sherloc (09022015). Collection method: clinical testing. Allele origin: germline.

Blueprint Genetics
Classification: Likely benign. Last evaluated: 2024-11-08. Review status: criteria provided, single submitter. Criteria: ACMG Guidelines, 2015. Collection method: clinical testing. Allele origin: germline.

PreventionGenetics, part of Exact Sciences
Classification: Likely benign for ADGRV1-related condition. Last evaluated: 2024-10-28. Review status: criteria provided, single submitter. Criteria: ACMG Guidelines, 2015. Collection method: clinical testing. Allele origin: germline.
Comment: This variant is classified as likely benign based on ACMG/AMP sequence variant interpretation guidelines (Richards et al. 2015 PMID: 25741868, with internal and published modifications).

GeneDx
Classification: Likely benign. Last evaluated: 2021-06-23. Review status: criteria provided, single submitter. Criteria: GeneDx Variant Classification Process June 2021. Collection method: clinical testing. Allele origin: germline. Affected: yes.

Athena Diagnostics
Classification: Likely benign. Last evaluated: 2017-12-30. Review status: criteria provided, single submitter. Criteria: Athena Diagnostics Criteria. Collection method: clinical testing. Allele origin: germline.

Laboratory for Molecular Medicine, Mass General Brigham Personalized Medicine
Classification: Likely benign. Last evaluated: 2016-06-20. Review status: criteria provided, single submitter. Criteria: LMM Criteria. Collection method: clinical testing. Allele origin: germline. Observed: 3 variant alleles.
Comment: p.Thr4069Thr in exon 59 of GPR98: This variant is not expected to have clinical significance because it does not alter an amino acid residue, is not located wit hin the splice consensus sequence, and has been identified in 3/11412 Latino chr omosomes by the Exome Aggregation Consortium (ExAC, rg; dbSNP rs202066007).

Eurofins Ntd Llc (ga)
Classification: Uncertain significance. Last evaluated: 2015-12-21. Review status: criteria provided, single submitter. Criteria: EGL Classification Definitions 2015. Collection method: clinical testing. Allele origin: germline. Observed: 1 variant allele, 1 heterozygote.